The following is an entry in ClinVar:

ClinVar aggregate classification (germline): Uncertain significance. Review status: criteria provided, multiple submitters, no conflicts (2 of 4 stars). 5 submissions from 5 submitters: Uncertain significance (4). 1 of the submissions does not count toward it. Last evaluated 2026-07-06.

Conditions:
GUCY2D-related disorder. Also called: GUCY2D-related condition.
Cone-rod dystrophy 6 (CORD6). Also called: RETINAL CONE DYSTROPHY 2; Cone dystrophy progressive. Identifiers: Orphanet 1872, MedGen C1866293, MONDO:0011143, OMIM 601777.
Leber congenital amaurosis 1 (LCA1). Also called: RETINAL BLINDNESS, CONGENITAL; Congenital absence of the rods and cones; Leber's congenital tapetoretinal degeneration; Leber's congenital tapetoretinal dysplasia; AMAUROSIS CONGENITA OF LEBER I. Identifiers: Orphanet 65, MedGen C2931258, MONDO:0008764, OMIM 204000.

Allele frequency attached by ClinVar (database versions not stated): gnomAD 0.00003; TOPMed 0.00005; ExAC 0.00008; gnomAD exomes 0.00010.

Submissions (5):

PreventionGenetics, part of Exact Sciences
Classification: Uncertain significance for GUCY2D-related condition. Last evaluated: 2026-07-06. Review status: criteria provided, single submitter. Criteria: ACMG Guidelines, 2015. Collection method: clinical testing. Allele origin: germline.
Comment: The GUCY2D c.3181G>A variant is predicted to result in the amino acid substitution p.Gly1061Ser. To our knowledge, this variant has not been reported in the literature. This variant is reported in 0.071% of alleles in individuals of Latino descent in gnomAD, which may be too frequent to be a primary cause of disease. Although we suspect that this variant may be benign, at this time, the clinical significance of this variant is uncertain due to the absence of conclusive functional and genetic evidence.

Labcorp Genetics (formerly Invitae), Labcorp
Classification: Uncertain significance for Leber congenital amaurosis 1; Cone-rod dystrophy 6. Last evaluated: 2025-11-28. Review status: criteria provided, single submitter. Criteria: Invitae Variant Classification Sherloc (09022015). Collection method: clinical testing. Allele origin: germline.
Comment: This sequence change replaces glycine, which is neutral and non-polar, with serine, which is neutral and polar, at codon 1061 of the GUCY2D protein (p.Gly1061Ser). This variant is present in population databases (rs62641254, gnomAD 0.07%). This missense change has been observed in individual(s) with retinitis pigmentosa (internal data). ClinVar contains an entry for this variant (Variation ID: 98596). Invitae Evidence Modeling of protein sequence and biophysical properties (such as structural, functional, and spatial information, amino acid conservation, physicochemical variation, residue mobility, and thermodynamic stability) indicates that this missense variant is not expected to disrupt GUCY2D protein function with a negative predictive value of 80%. In summary, the available evidence is currently insufficient to determine the role of this variant in disease. Therefore, it has been classified as a Variant of Uncertain Significance.

GeneDx
Classification: Uncertain significance. Last evaluated: 2022-03-17. Review status: criteria provided, single submitter. Criteria: GeneDx Variant Classification Process June 2021. Collection method: clinical testing. Allele origin: germline. Affected: yes.
Comment: In silico analysis supports that this missense variant has a deleterious effect on protein structure/function; Has not been previously published as pathogenic or benign to our knowledge

Blueprint Genetics
Classification: Uncertain significance. Last evaluated: 2019-01-31. Review status: criteria provided, single submitter. Criteria: ACMG Guidelines, 2015. Collection method: clinical testing. Allele origin: germline.

Retina International
No classification provided. Review status: no classification provided. Collection method: not provided. Allele origin: not provided. Not counted in ClinVar's aggregate classification.

NM_000180.4(GUCY2D):c.3181G>A (p.Gly1061Ser)

Gene: GUCY2D (guanylate cyclase 2D, retinal; plus strand). Cytogenetic location: 17p13.1.
Variant type: single nucleotide variant.
Coding change: c.3181G>A on transcript NM_000180.4 (MANE Select); coding-DNA position 3181, G replaced by A.
Protein change: p.Gly1061Ser; replaces glycine 1061 with serine.
Molecular consequence: missense variant.
Genome position (GRCh38, 1-based): chr17:8,016,247, G>A. VCF-style: chr17-8016247-G-A. GRCh37 (hg19) VCF-style: chr17-7919565-G-A.
Other names: short protein forms G1061S.
Identifiers: ClinVar variation 98596 (VCV000098596.12), dbSNP rs62641254, ClinGen allele CA226133.